The following is an entry in ClinVar:

NM_005787.6(ALG3):c.444+2T>G

Gene: ALG3 (ALG3 alpha-1,3- mannosyltransferase; minus strand). Cytogenetic location: 3q27.1.
Variant type: single nucleotide variant.
Coding change: c.444+2T>G on transcript NM_005787.6 (MANE Select); the canonical splice donor site of the intron after coding-DNA position 444, T replaced by G.
Molecular consequence: splice donor variant.
Genome position (GRCh38, 1-based): chr3:184,245,466, A>C on the plus strand (T>G on the coding strand, the complement: ALG3 is on the minus strand). VCF-style: chr3-184245466-A-C. GRCh37 (hg19) VCF-style: chr3-183963254-A-C.
Other names: c.300+2T>G (NM_001006941.2).
Identifiers: ClinVar variation 930451 (VCV000930451.3), dbSNP rs1719083745, ClinGen allele CA355421486.

ClinVar aggregate classification (germline): Likely pathogenic (1 of 4 stars; one submission).

Conditions:
ALG3-congenital disorder of glycosylation. Also called: CONGENITAL DISORDER OF GLYCOSYLATION, TYPE Id; CARBOHYDRATE-DEFICIENT GLYCOPROTEIN SYNDROME, TYPE IV; CDGS, TYPE IV; CDG Id; ALG3-CDG. Identifiers: Orphanet 79321, MedGen C1832736, MONDO:0010998, OMIM 601110.

Submission:

Centre for Mendelian Genomics, University Medical Centre Ljubljana
Classification: Likely pathogenic for ALG3-congenital disorder of glycosylation. Last evaluated: 2019-04-23. Review status: criteria provided, single submitter. Criteria: ACMG Guidelines, 2015. Collection method: clinical testing. Allele origin: unknown. Affected: yes.
Comment: This variant was classified as: Likely pathogenic. The following ACMG criteria were applied in classifying this variant: PVS1,PM2.